The following is an entry in ClinVar:

NM_001291303.3(FAT4):c.11825A>G (p.Asn3942Ser)

Gene: FAT4 (FAT atypical cadherin 4; plus strand). Cytogenetic location: 4q28.1.
Variant type: single nucleotide variant.
Coding change: c.11825A>G on transcript NM_001291303.3 (MANE Select); coding-DNA position 11825, A replaced by G.
Protein change: p.Asn3942Ser; replaces asparagine 3942 with serine.
Molecular consequence: missense variant.
Genome position (GRCh38, 1-based): chr4:125,463,587, A>G. VCF-style: chr4-125463587-A-G. GRCh37 (hg19) VCF-style: chr4-126384742-A-G.
Other names: c.11819A>G (NM_024582.5); c.11825A>G, p.Asn3942Ser (NM_001291285.3); c.11819A>G, p.Asn3940Ser (NM_024582.6); short protein forms N3942S, N3940S.
Identifiers: ClinVar variation 2987627 (VCV002987627.4), dbSNP rs750196241, ClinGen allele CA3073937.

ClinVar aggregate classification (germline): Uncertain significance. Review status: criteria provided, multiple submitters, no conflicts (2 of 4 stars). 2 submissions from 2 submitters: Uncertain significance (2). Last evaluated 2023-12-28.

Conditions:
Van Maldergem syndrome 2 (VMLDS2). Identifiers: Orphanet 314679, MedGen C3809875, MONDO:0014242, OMIM 615546.
Hennekam lymphangiectasia-lymphedema syndrome 2 (HKLLS2). Identifiers: Orphanet 2136, MedGen C4014939, MONDO:0014454, OMIM 616006.

Allele frequency attached by ClinVar (database versions not stated): gnomAD exomes below 0.00001; gnomAD 0.00001; TOPMed 0.00001; ExAC 0.00003.
gnomAD v4.1: 7 of 1,592,750 alleles (0.00044%); highest among the groups gnomAD compares: Admixed American, 0.0034%; no homozygotes.

Submissions (2):

Fulgent Genetics
Classification: Uncertain significance for Van Maldergem syndrome 2; Hennekam lymphangiectasia-lymphedema syndrome 2. Last evaluated: 2023-12-28. Review status: criteria provided, single submitter. Criteria: ACMG Guidelines, 2015. Collection method: clinical testing. Allele origin: germline.

Labcorp Genetics (formerly Invitae), Labcorp
Classification: Uncertain significance. Last evaluated: 2023-10-20. Review status: criteria provided, single submitter. Criteria: Invitae Variant Classification Sherloc (09022015). Collection method: clinical testing. Allele origin: germline.
Comment: This sequence change replaces asparagine, which is neutral and polar, with serine, which is neutral and polar, at codon 3940 of the FAT4 protein (p.Asn3940Ser). This variant is present in population databases (rs750196241, gnomAD 0.006%). This variant has not been reported in the literature in individuals affected with FAT4-related conditions. Advanced modeling of protein sequence and biophysical properties (such as structural, functional, and spatial information, amino acid conservation, physicochemical variation, residue mobility, and thermodynamic stability) performed at Invitae indicates that this missense variant is not expected to disrupt FAT4 protein function. In summary, the available evidence is currently insufficient to determine the role of this variant in disease. Therefore, it has been classified as a Variant of Uncertain Significance.